The following is an entry in ClinVar:

NM_001042492.3(NF1):c.5155A>C (p.Ile1719Leu)

Gene: NF1 (neurofibromin 1; plus strand). Cytogenetic location: 17q11.2.
Variant type: single nucleotide variant.
Coding change: c.5155A>C on transcript NM_001042492.3 (MANE Select); coding-DNA position 5155, A replaced by C.
Protein change: p.Ile1719Leu; replaces isoleucine 1719 with leucine.
Molecular consequence: missense variant.
Genome position (GRCh38, 1-based): chr17:31,326,139, A>C. VCF-style: chr17-31326139-A-C. GRCh37 (hg19) VCF-style: chr17-29653157-A-C.
Other names: c.5092A>C, p.Ile1698Leu (NM_000267.4); short protein forms I1698L, I1719L.
Identifiers: ClinVar variation 2865532 (VCV002865532.4), dbSNP rs1434439252, ClinGen allele CA399007820.
Genomic context (GRCh38, chr17:31,326,139, plus strand): 5'-GGCCTCAAAGGTAGCAAAAGGCTTGTTTTCATAGACTGTCCTGGGAAACTGGCTGAGCAC[A>C]TAGAGCATGAACAACAGAAACTACCTGCTGCCACCTTGGCTTTAGAAGAGGACCTGAAGG-3'
Protein context (NP_001035957.1, residues 1709-1729): IDCPGKLAEH[Ile1719Leu]EHEQQKLPAA

ClinVar aggregate classification (germline): Uncertain significance. Review status: criteria provided, multiple submitters, no conflicts (2 of 4 stars). 2 submissions from 2 submitters: Uncertain significance (2). Last evaluated 2025-03-08.

Conditions:
Cardiovascular phenotype. Identifiers: MedGen CN230736.
Hereditary cancer-predisposing syndrome. Also called: Hereditary neoplastic syndrome; Hereditary Cancer Syndrome; Neoplastic Syndromes, Hereditary; Tumor predisposition. Identifiers: Orphanet 140162, MedGen C0027672, MeSH D009386, MONDO:0015356.
Neurofibromatosis, type 1 (NF1). Also called: Neurofibromatosis, type I; NEUROFIBROMATOSIS, TYPE I, SOMATIC; Peripheral type neurofibromatosis; VON RECKLINGHAUSEN DISEASE. Identifiers: Orphanet 636, MedGen C0027831, MONDO:0018975, OMIM 162200. Disease mechanism: loss of function.

Submissions (2):

Ambry Genetics
Classification: Uncertain significance for Cardiovascular phenotype; Hereditary cancer-predisposing syndrome. Last evaluated: 2025-03-08. Review status: criteria provided, single submitter. Criteria: Ambry Variant Classification Scheme 2023. Collection method: clinical testing. Allele origin: germline.
Comment: The p.I1698L variant (also known as c.5092A>C), located in coding exon 36 of the NF1 gene, results from an A to C substitution at nucleotide position 5092. The isoleucine at codon 1698 is replaced by leucine, an amino acid with highly similar properties. This amino acid position is conserved. In addition, this alteration is predicted to be tolerated by in silico analysis. Based on the available evidence, the clinical significance of this variant remains unclear.

Labcorp Genetics (formerly Invitae), Labcorp
Classification: Uncertain significance for Neurofibromatosis, type 1. Last evaluated: 2024-08-13. Review status: criteria provided, single submitter. Criteria: Invitae Variant Classification Sherloc (09022015). Collection method: clinical testing. Allele origin: germline.
Comment: This sequence change replaces isoleucine, which is neutral and non-polar, with leucine, which is neutral and non-polar, at codon 1698 of the NF1 protein (p.Ile1698Leu). This variant is not present in population databases (gnomAD no frequency). This variant has not been reported in the literature in individuals affected with NF1-related conditions. Invitae Evidence Modeling of protein sequence and biophysical properties (such as structural, functional, and spatial information, amino acid conservation, physicochemical variation, residue mobility, and thermodynamic stability) has been performed for this missense variant. However, the output from this modeling did not meet the statistical confidence thresholds required to predict the impact of this variant on NF1 protein function. In summary, the available evidence is currently insufficient to determine the role of this variant in disease. Therefore, it has been classified as a Variant of Uncertain Significance.